The following is an entry in ClinVar:

NM_019055.6(ROBO4):c.570G>A (p.Gly190=)

Gene: ROBO4 (roundabout guidance receptor 4; minus strand). Cytogenetic location: 11q24.2.
Variant type: single nucleotide variant.
Coding change: c.570G>A on transcript NM_019055.6 (MANE Select); coding-DNA position 570, G replaced by A.
Protein change: p.Gly190=; no amino-acid change (glycine 190 retained).
Molecular consequence: synonymous variant.
Genome position (GRCh38, 1-based): chr11:124,896,307, C>T on the plus strand (G>A on the coding strand, the complement: ROBO4 is on the minus strand). VCF-style: chr11-124896307-C-T. GRCh37 (hg19) VCF-style: chr11-124766203-C-T.
Other names: c.135G>A, p.Gly45= (NM_001301088.2).
Identifiers: ClinVar variation 2691022 (VCV002691022.3), dbSNP rs12226461, ClinGen allele CA6345267.

ClinVar aggregate classification (germline): Benign. Review status: criteria provided, single submitter (1 of 4 stars). 2 submissions from 2 submitters: Benign (1). 1 of the submissions does not count toward it. Last evaluated 2022-11-25.

Conditions:
Familial thoracic aortic aneurysm and aortic dissection (TAAD). Also called: Thoracic aortic aneurysms and dissections. Identifiers: Orphanet 91387, MedGen C4707243, MONDO:0019625.
ROBO4-related disorder. Also called: ROBO4-related condition.

Allele frequency attached by ClinVar (database versions not stated): ESP Exome Variant Server 0.02454; TOPMed 0.03009; gnomAD 0.03080; gnomAD exomes 0.03605; ExAC 0.03885; 1000 Genomes Project 30x 0.04934; 1000 Genomes Project 0.05152.
gnomAD v4.1: 57,707 of 1,613,618 alleles (3.6%); highest among the groups gnomAD compares: East Asian, 7.6%; 1,310 homozygotes.

Submissions (2):

CHEO Genetics Diagnostic Laboratory, Children's Hospital of Eastern Ontario
Classification: Benign for Familial thoracic aortic aneurysm and aortic dissection. Last evaluated: 2022-11-25. Review status: criteria provided, single submitter. Criteria: ACMG Guidelines, 2015. Collection method: clinical testing. Allele origin: germline.

PreventionGenetics, part of Exact Sciences
Classification: Benign for ROBO4-related condition. Last evaluated: 2019-07-01. Review status: no assertion criteria provided. Collection method: clinical testing. Allele origin: germline. Not counted in ClinVar's aggregate classification.
Comment: This variant is classified as benign based on ACMG/AMP sequence variant interpretation guidelines (Richards et al. 2015 PMID: 25741868, with internal and published modifications).